The following is an entry in ClinVar:

NM_006612.6(KIF1C):c.355G>A (p.Val119Met)

Gene: KIF1C (kinesin family member 1C; plus strand). Cytogenetic location: 17p13.2.
Variant type: single nucleotide variant.
Coding change: c.355G>A on transcript NM_006612.6 (MANE Select); coding-DNA position 355, G replaced by A.
Protein change: p.Val119Met; replaces valine 119 with methionine.
Molecular consequence: missense variant.
Genome position (GRCh38, 1-based): chr17:5,001,393, G>A. VCF-style: chr17-5001393-G-A. GRCh37 (hg19) VCF-style: chr17-4904688-G-A.
Other names: short protein forms V119M.
Identifiers: ClinVar variation 2055273 (VCV002055273.4), dbSNP rs372339577, ClinGen allele CA8318511.
Genomic context (GRCh38, chr17:5,001,393, plus strand): 5'-ACCGGGGCTGGGAAATCCTATACCATGATGGGGCGACAGGAGCCAGGGCAGCAGGGCATC[G>A]TGCCCCAGGTACGCCTAGGACCTGGTGGGGCAGCCAGGGCAGGAGCATCTTTAGCTGCCC-3'
Protein context (NP_006603.2, residues 109-129): GRQEPGQQGI[Val119Met]PQLCEDLFSR

ClinVar aggregate classification (germline): Uncertain significance. Review status: criteria provided, multiple submitters, no conflicts (2 of 4 stars). 2 submissions from 2 submitters: Uncertain significance (2). Last evaluated 2025-06-19.

Conditions:
Inborn genetic diseases. Identifiers: MedGen C0950123, MeSH D030342.
Spastic ataxia 2. Also called: Ataxia, spastic, 2, autosomal recessive. Identifiers: Orphanet 397946, MedGen C1969796, MONDO:0012651, OMIM 611302.

Allele frequency attached by ClinVar (database versions not stated): gnomAD exomes 0.00004; ExAC 0.00005; TOPMed 0.00006; ESP Exome Variant Server 0.00008.
gnomAD v4.1: 64 of 1,613,730 alleles (0.004%); highest among the groups gnomAD compares: Admixed American, 0.005%; no homozygotes.

Submissions (2):

Ambry Genetics
Classification: Uncertain significance for Inborn genetic diseases. Last evaluated: 2025-06-19. Review status: criteria provided, single submitter. Criteria: Ambry Variant Classification Scheme 2023. Collection method: clinical testing. Allele origin: germline.

Labcorp Genetics (formerly Invitae), Labcorp
Classification: Uncertain significance for Spastic ataxia 2. Last evaluated: 2022-03-19. Review status: criteria provided, single submitter. Criteria: Invitae Variant Classification Sherloc (09022015). Collection method: clinical testing. Allele origin: germline.
Comment: Algorithms developed to predict the effect of missense changes on protein structure and function are either unavailable or do not agree on the potential impact of this missense change (SIFT: "Deleterious"; PolyPhen-2: "Benign"; Align-GVGD: "Class C0"). In summary, the available evidence is currently insufficient to determine the role of this variant in disease. Therefore, it has been classified as a Variant of Uncertain Significance. This variant has not been reported in the literature in individuals affected with KIF1C-related conditions. This variant is present in population databases (rs372339577, gnomAD 0.007%). This sequence change replaces valine, which is neutral and non-polar, with methionine, which is neutral and non-polar, at codon 119 of the KIF1C protein (p.Val119Met).